The following is an entry in ClinVar:

ClinVar aggregate classification (germline): Conflicting classifications of pathogenicity. Review status: criteria provided, conflicting classifications (1 of 4 stars). 4 submissions from 4 submitters: Uncertain significance (3); Likely benign (1). Last evaluated 2024-07-19.

Conditions:
Hereditary breast ovarian cancer syndrome. Also called: BRCA1- and BRCA2-Associated Hereditary Breast and Ovarian Cancer; Hereditary breast and ovarian cancer syndrome; Hereditary breast and ovarian cancer; Hereditary breast and ovarian cancer syndrome (HBOC); Breast and ovarian cancer; Hereditary breast and/or ovarian cancer syndrome. Identifiers: Orphanet 145, MedGen C0677776, MeSH D061325, MONDO:0003582. Disease mechanism: loss of function.
Hereditary cancer-predisposing syndrome. Also called: Neoplastic Syndromes, Hereditary; Tumor predisposition; Hereditary Cancer Syndrome; Hereditary neoplastic syndrome. Identifiers: Orphanet 140162, MedGen C0027672, MeSH D009386, MONDO:0015356.

Submissions (4):

Labcorp Genetics (formerly Invitae), Labcorp
Classification: Uncertain significance for Hereditary breast ovarian cancer syndrome. Last evaluated: 2024-07-19. Review status: criteria provided, single submitter. Criteria: Invitae Variant Classification Sherloc (09022015). Collection method: clinical testing. Allele origin: germline.
Comment: This sequence change replaces histidine, which is basic and polar, with tyrosine, which is neutral and polar, at codon 971 of the BRCA1 protein (p.His971Tyr). This variant is not present in population databases (gnomAD no frequency). This variant has not been reported in the literature in individuals affected with BRCA1-related conditions. ClinVar contains an entry for this variant (Variation ID: 919499). Advanced modeling of protein sequence and biophysical properties (such as structural, functional, and spatial information, amino acid conservation, physicochemical variation, residue mobility, and thermodynamic stability) performed at Invitae indicates that this missense variant is not expected to disrupt BRCA1 protein function with a negative predictive value of 95%. In summary, the available evidence is currently insufficient to determine the role of this variant in disease. Therefore, it has been classified as a Variant of Uncertain Significance.

University of Washington Department of Laboratory Medicine, University of Washington
Classification: Likely benign for Hereditary cancer-predisposing syndrome. Last evaluated: 2023-03-23. Review status: criteria provided, single submitter. Criteria: Dines et al. (Genet Med. 2020). Collection method: curation. Allele origin: germline.
Comment: Missense variant in a coldspot region where missense variants are very unlikely to be pathogenic (PMID:31911673).

BRCA1 coldspot (exon 11 using historical exon numbering). Reclassification based on statistical prior probability

Ambry Genetics
Classification: Uncertain significance for Hereditary cancer-predisposing syndrome. Last evaluated: 2020-09-24. Review status: criteria provided, single submitter. Criteria: Ambry Variant Classification Scheme 2023. Collection method: clinical testing. Allele origin: germline.
Comment: The p.H971Y variant (also known as c.2911C>T), located in coding exon 9 of the BRCA1 gene, results from a C to T substitution at nucleotide position 2911. The histidine at codon 971 is replaced by tyrosine, an amino acid with similar properties. This amino acid position is not well conserved in available vertebrate species. In addition, this alteration is predicted to be tolerated by in silico analysis. Since supporting evidence is limited at this time, the clinical significance of this alteration remains unclear.

Color Diagnostics, LLC DBA Color Health
Classification: Uncertain significance for Hereditary cancer-predisposing syndrome. Last evaluated: 2019-02-07. Review status: criteria provided, single submitter. Criteria: ACMG Guidelines, 2015. Collection method: clinical testing. Allele origin: germline.

NM_007294.4(BRCA1):c.2911C>T (p.His971Tyr)

Gene: BRCA1 (BRCA1 DNA repair associated; minus strand). Cytogenetic location: 17q21.31.
Variant type: single nucleotide variant.
Coding change: c.2911C>T on transcript NM_007294.4 (MANE Select); coding-DNA position 2911, C replaced by T.
Protein change: p.His971Tyr; replaces histidine 971 with tyrosine.
Molecular consequence: missense variant. On other transcripts: intron variant (137).
Genome position (GRCh38, 1-based): chr17:43,092,620, G>A on the plus strand (C>T on the coding strand, the complement: BRCA1 is on the minus strand). VCF-style: chr17-43092620-G-A. GRCh37 (hg19) VCF-style: chr17-41244637-G-A.
Other names: c.2698C>T, p.His900Tyr (NM_001407917.1, NM_001407918.1, NM_001407899.1 and 9 more transcripts); c.2788C>T, p.His930Tyr (NM_001407919.1, NM_001407863.1, NM_001407937.1 and 19 more transcripts); c.2908C>T, p.His970Tyr (NM_001407860.1, NM_001407861.1, NM_001407587.1 and 22 more transcripts); c.2707C>T, p.His903Tyr (NM_001407874.1, NM_001407875.1); c.2710C>T, p.His904Tyr (NM_001407862.1); c.2647C>T, p.His883Tyr (NM_001407928.1, NM_001407922.1, NM_001407923.1 and 9 more transcripts); c.2701C>T, p.His901Tyr (NM_001407900.1, NM_001407902.1, NM_001407904.1 and 13 more transcripts); c.2644C>T, p.His882Tyr (NM_001407930.1, NM_001407931.1, NM_001407932.1 and 2 more transcripts); and 41 more; short protein forms H971Y, H924Y, H675Y, H859Y, H903Y, H904Y, H929Y, H944Y.
Identifiers: ClinVar variation 919499 (VCV000919499.12), dbSNP rs80357478, ClinGen allele CA10596170.
Genomic context (GRCh38, chr17:43,092,620, plus strand): 5'-TAACAAATGACTTGATGGGAAAAAGTGGTGGTATACGATATGGGTTTTGTAAAAGTCCAT[G>A]TTTATTTGGAGTAATGAGTCCAGTTTCGTTGCCTCTGAACTGAGATGATAGACAAAACCT-3'
Protein context (NP_009225.1, residues 961-981): NETGLITPNK[His971Tyr]GLLQNPYRIP